The following is an entry in ClinVar:

NM_004333.6(BRAF):c.1004C>T (p.Ser335Phe)

Genes: BRAF (B-Raf proto-oncogene, serine/threonine kinase; minus strand), LOC126860202 (BRD4-independent group 4 enhancer GRCh37_chr7:140493623-140494822; plus strand). Cytogenetic location: 7q34.
Variant type: single nucleotide variant.
Coding change: c.1004C>T on transcript NM_004333.6 (MANE Select); coding-DNA position 1004, C replaced by T.
Protein change: p.Ser335Phe; replaces serine 335 with phenylalanine.
Molecular consequence: missense variant.
Genome position (GRCh38, 1-based): chr7:140,794,444, G>A on the plus strand (C>T on the coding strand, the complement: BRAF is on the minus strand). VCF-style: chr7-140794444-G-A. GRCh37 (hg19) VCF-style: chr7-140494244-G-A.
Other names: c.1004C>T, p.Ser335Phe (NM_001354609.2, NM_001374244.1, NM_001374258.1 and 4 more transcripts); c.1013C>T, p.Ser338Phe (NM_001378467.1); c.902C>T, p.Ser301Phe (NM_001378470.1); c.848C>T, p.Ser283Phe (NM_001378472.1, NM_001378473.1); c.740C>T, p.Ser247Phe (NM_001378475.1); short protein forms S247F, S301F, S335F, S338F, S283F.
Identifiers: ClinVar variation 1949185 (VCV001949185.5), dbSNP rs2536269198, ClinGen allele CA369589960.
Genomic context (GRCh38, chr7:140,794,444, plus strand): 5'-TTTCGATGATCTTCATCTGCTGGTCGGAAGGGCTGTGGAATTGGAATGGATTTTGAAGGA[G>A]ACGGACTGGTGAGAATTTGGGGCCTGGAAAAATGAAGTCATTGGAAGATAAGATTCAGAG-3'
Protein context (NP_004324.2, residues 325-345): SIGPQILTSP[Ser335Phe]PSKSIPIPQP

ClinVar aggregate classification (germline): Uncertain significance (1 of 4 stars; one submission).

Conditions:
RASopathy. Also called: rasopathies; Noonan spectrum disorder. Identifiers: Orphanet 536391, MedGen C5555857, MONDO:0021060.

Allele frequency attached by ClinVar (database versions not stated): gnomAD exomes below 0.00001.
gnomAD v4.1: 1 of 1,614,062 alleles (0.000062%); highest among the groups gnomAD compares: Non-Finnish European, 0.000085%; no homozygotes.

Submission:

Labcorp Genetics (formerly Invitae), Labcorp
Classification: Uncertain significance for RASopathy. Last evaluated: 2022-09-27. Review status: criteria provided, single submitter. Criteria: Invitae Variant Classification Sherloc (09022015). Collection method: clinical testing. Allele origin: germline.
Comment: Advanced modeling of protein sequence and biophysical properties (such as structural, functional, and spatial information, amino acid conservation, physicochemical variation, residue mobility, and thermodynamic stability) performed at Invitae indicates that this missense variant is not expected to disrupt BRAF protein function. In summary, the available evidence is currently insufficient to determine the role of this variant in disease. Therefore, it has been classified as a Variant of Uncertain Significance. This variant has not been reported in the literature in individuals affected with BRAF-related conditions. This variant is not present in population databases (gnomAD no frequency). This sequence change replaces serine, which is neutral and polar, with phenylalanine, which is neutral and non-polar, at codon 335 of the BRAF protein (p.Ser335Phe).